The following is an entry in ClinVar:

NM_004260.4(RECQL4):c.1691C>G (p.Ser564Cys)

Gene: RECQL4 (RecQ like helicase 4; minus strand). Cytogenetic location: 8q24.3.
Variant type: single nucleotide variant.
Coding change: c.1691C>G on transcript NM_004260.4 (MANE Select); coding-DNA position 1691, C replaced by G.
Protein change: p.Ser564Cys; replaces serine 564 with cysteine.
Molecular consequence: missense variant.
Genome position (GRCh38, 1-based): chr8:144,514,455, G>C on the plus strand (C>G on the coding strand, the complement: RECQL4 is on the minus strand). VCF-style: chr8-144514455-G-C. GRCh37 (hg19) VCF-style: chr8-145739839-G-C.
Other names: c.1691C>G (NM_004260.3); short protein forms S564C.
Identifiers: ClinVar variation 1035148 (VCV001035148.8), dbSNP rs1370043767, ClinGen allele CA372681556.
Genomic context (GRCh38, chr8:144,514,455, plus strand): 5'-GTGCCCGCCCGCTGCCTCCCTCACCCCTAGGCCCATGAGGCCCCCACCTTCTGCAGGACA[G>C]ATTCCCGTTGCTTCCTGGTCATGCCCGAGTGTATGCAGGCCGCCTTGAGACACGGTGGCA-3'
Protein context (NP_004251.4, residues 554-574): HSGMTRKQRE[Ser564Cys]VLQKIRAAQV

ClinVar aggregate classification (germline): Uncertain significance. Review status: criteria provided, multiple submitters, no conflicts (2 of 4 stars). 3 submissions from 3 submitters: Uncertain significance (3). Last evaluated 2025-09-25.

Conditions:
Inborn genetic diseases. Identifiers: MedGen C0950123, MeSH D030342.
Baller-Gerold syndrome (BGS). Also called: CRANIOSYNOSTOSIS WITH RADIAL DEFECTS. Identifiers: Orphanet 1225, MedGen C0265308, MONDO:0009039, OMIM 218600.
Rothmund-Thomson syndrome type 2 (RTS2). Identifiers: Orphanet 221016, MedGen C5203410, MONDO:0016369, OMIM 268400.

Allele frequency attached by ClinVar (database versions not stated): gnomAD exomes below 0.00001; gnomAD 0.00001; TOPMed 0.00001.

Submissions (3):

Ambry Genetics
Classification: Uncertain significance for Inborn genetic diseases. Last evaluated: 2025-09-25. Review status: criteria provided, single submitter. Criteria: Ambry Variant Classification Scheme 2023. Collection method: clinical testing. Allele origin: germline.

Labcorp Genetics (formerly Invitae), Labcorp
Classification: Uncertain significance for Baller-Gerold syndrome. Last evaluated: 2024-09-20. Review status: criteria provided, single submitter. Criteria: Invitae Variant Classification Sherloc (09022015). Collection method: clinical testing. Allele origin: germline.
Comment: This sequence change replaces serine, which is neutral and polar, with cysteine, which is neutral and slightly polar, at codon 564 of the RECQL4 protein (p.Ser564Cys). This variant is present in population databases (no rsID available, gnomAD 0.03%). This variant has not been reported in the literature in individuals affected with RECQL4-related conditions. ClinVar contains an entry for this variant (Variation ID: 1035148). Invitae Evidence Modeling of protein sequence and biophysical properties (such as structural, functional, and spatial information, amino acid conservation, physicochemical variation, residue mobility, and thermodynamic stability) indicates that this missense variant is expected to disrupt RECQL4 protein function with a positive predictive value of 80%. In summary, the available evidence is currently insufficient to determine the role of this variant in disease. Therefore, it has been classified as a Variant of Uncertain Significance.

St. Jude Molecular Pathology, St. Jude Children's Research Hospital
Classification: Uncertain significance for Rothmund-Thomson syndrome type 2. Last evaluated: 2023-10-31. Review status: criteria provided, single submitter. Criteria: St. Jude Assertion Criteria 2020. Collection method: clinical testing. Allele origin: germline.
Comment: The RECQL4 c.1691C>G (p.Ser564Cys) missense change has a maximum subpopulation frequency of 0.035% in gnomAD v2.1.1. In silico tools predict a deleterious effect of this variant on protein function, but to our knowledge functional studies have not been performed. To our knowledge, this variant has not been reported in individuals with RECQL4-associated conditions. In summary, the evidence currently available is insufficient to determine the clinical significance of this variant. It has therefore been classified as of uncertain significance.